The following is an entry in ClinVar:

ClinVar aggregate classification (germline): Uncertain significance (1 of 4 stars; one submission).

Conditions:
Cardiovascular phenotype. Identifiers: MedGen CN230736.

Submission:

Ambry Genetics
Classification: Uncertain significance for Cardiovascular phenotype. Last evaluated: 2024-06-21. Review status: criteria provided, single submitter. Criteria: Ambry Variant Classification Scheme 2023. Collection method: clinical testing. Allele origin: germline.
Comment: The p.K88E variant (also known as c.262A>G), located in coding exon 3 of the MAT2A gene, results from an A to G substitution at nucleotide position 262. The lysine at codon 88 is replaced by glutamic acid, an amino acid with similar properties. This amino acid position is conserved. In addition, the in silico prediction for this alteration is inconclusive. Based on the available evidence, the clinical significance of this variant remains unclear.

NM_005911.6(MAT2A):c.262A>G (p.Lys88Glu)

Genes: GGCX (gamma-glutamyl carboxylase; minus strand), MAT2A (methionine adenosyltransferase 2A; plus strand). Cytogenetic location: 2p11.2.
Variant type: single nucleotide variant.
Coding change: c.262A>G on transcript NM_005911.6 (MANE Select); coding-DNA position 262, A replaced by G.
Protein change: p.Lys88Glu; replaces lysine 88 with glutamic acid.
Molecular consequence: missense variant.
Genome position (GRCh38, 1-based): chr2:85,541,347, A>G. VCF-style: chr2-85541347-A-G. GRCh37 (hg19) VCF-style: chr2-85768470-A-G.
Other names: short protein forms K88E.
Identifiers: ClinVar variation 3293442 (VCV003293442.1).